The following is an entry in ClinVar:

NM_170784.3(MKKS):c.604G>T (p.Val202Leu)

Gene: MKKS (MKKS centrosomal shuttling protein; minus strand). Cytogenetic location: 20p12.2.
Variant type: single nucleotide variant.
Coding change: c.604G>T on transcript NM_170784.3 (MANE Select); coding-DNA position 604, G replaced by T.
Protein change: p.Val202Leu; replaces valine 202 with leucine.
Molecular consequence: missense variant.
Genome position (GRCh38, 1-based): chr20:10,412,911, C>A on the plus strand (G>T on the coding strand, the complement: MKKS is on the minus strand). VCF-style: chr20-10412911-C-A. GRCh37 (hg19) VCF-style: chr20-10393559-C-A.
Other names: c.604G>T, p.Val202Leu (NM_018848.3); short protein forms V202L.
Identifiers: ClinVar variation 5001697 (VCV005001697.1).

ClinVar aggregate classification (germline): Uncertain significance (1 of 4 stars; one submission).

Conditions:
MKKS-related disorder. Also called: MKKS-related disorders; MKKS-related condition.

gnomAD v4.1: 3 of 1,613,532 alleles (0.00019%); highest among the groups gnomAD compares: Non-Finnish European, 0.000085%; no homozygotes.

Submission:

PreventionGenetics, part of Exact Sciences
Classification: Uncertain significance for MKKS-related condition. Last evaluated: 2025-03-03. Review status: criteria provided, single submitter. Criteria: ACMG Guidelines, 2015. Collection method: clinical testing. Allele origin: germline.
Comment: The MKKS c.604G>T variant is predicted to result in the amino acid substitution p.Val202Leu. To our knowledge, this variant has not been reported in the literature or in a large population database (gnomAD), indicating this variant is rare. At this time, the clinical significance of this variant is uncertain due to the absence of conclusive functional and genetic evidence.